The following is an entry in ClinVar:

NC_000023.10:g.(?_22108527)_(22186526_?)dup

Gene: PHEX (phosphate regulating endopeptidase X-linked; plus strand). Cytogenetic location: Xp22.11.
Variant type: Duplication.
Identifiers: ClinVar variation 2423114 (VCV002423114.4).

ClinVar aggregate classification (germline): Uncertain significance (1 of 4 stars; one submission).

Submission:

Labcorp Genetics (formerly Invitae), Labcorp
Classification: Uncertain significance. Last evaluated: 2022-05-04. Review status: criteria provided, single submitter. Criteria: Invitae Variant Classification Sherloc (09022015). Collection method: clinical testing. Allele origin: germline.
Comment: Experimental studies and prediction algorithms are not available or were not evaluated, and the functional significance of this variant is currently unknown. A similar copy number variant has been observed in individual(s) with clinical features of hypophosphatemia (Invitae). This variant results in a copy number gain of the genomic region encompassing exon(s) 6-13 of the PHEX gene. While the exact position of this variant cannot be determined from the data, sub-genic copy number gains are generally in tandem (PMID: 25640679). This variant is predicted to be in-frame, and likely preserves the integrity of the reading frame. In summary, the available evidence is currently insufficient to determine the role of this variant in disease. Therefore, it has been classified as a Variant of Uncertain Significance.

Literature cited by the submitters: PubMed 25640679.